The following is an entry in ClinVar:

NM_001369.3(DNAH5):c.3291dup (p.Pro1098fs)

Genes: DNAH5-AS1 (DNAH5 antisense RNA 1; plus strand), DNAH5 (dynein axonemal heavy chain 5; minus strand). Cytogenetic location: 5p15.2.
Variant type: Duplication.
Coding change: c.3291dup on transcript NM_001369.3 (MANE Select); coding-DNA position 3291, one base duplicated (A; older notation c.3291dupA).
Protein change: p.Pro1098fs; shifts the reading frame from proline 1098.
Molecular consequence: frameshift variant.
Genome position (GRCh38, 1-based): chr5:13,876,789, T duplicated on the plus strand (A on the coding strand, the reverse complement: DNAH5 is on the minus strand). VCF-style (leftmost placement, unchanged base first): chr5-13876788-G-GT. GRCh37 (hg19) VCF-style: chr5-13876897-G-GT.
Other names: c.3291dupA (NM_001369.2); short protein forms P1098fs.
Identifiers: ClinVar variation 238968 (VCV000238968.15), dbSNP rs762081081, ClinGen allele CA3204320.
Genomic context (GRCh38, chr5:13,876,788, plus strand): 5'-TTACAATCTCTTTGTTTTCAGAAACATTCTTATAATAGTTCTTGGTTTGCACGGGAATGG[G>GT]TAAATTTACAGATGCTATCTCCAAGGTATCTAAAAAGAAAAAAAGAAGAGAAAACTTTAC-3'

ClinVar aggregate classification (germline): Pathogenic/Likely pathogenic. Review status: criteria provided, multiple submitters, no conflicts (2 of 4 stars). 2 submissions from 2 submitters: Pathogenic (1); Likely pathogenic (1). Last evaluated 2025-05-08.

Conditions:
Primary ciliary dyskinesia. Also called: Ciliary dyskinesia. Identifiers: Orphanet 244, MedGen C0008780, MONDO:0016575, HP:0012265.

Allele frequency attached by ClinVar (database versions not stated): gnomAD exomes below 0.00001 and 0.00001; TOPMed below 0.00001; ExAC 0.00002.

Submissions (2):

Natera, Inc.
Classification: Likely pathogenic for Primary ciliary dyskinesia. Last evaluated: 2025-05-08. Review status: criteria provided, single submitter. Criteria: Natera Variant Classification Schema (03/2026). Collection method: clinical testing. Allele origin: germline.
Comment: The c.3291dupA variant in DNAH5 is a frameshift variant predicted to shift the reading frame beginning at codon 1098 and leads to a stop codon 11 codons downstream. This variant is expected to result in nonsense mediated decay, truncation, or a dysfunctional protein product. This variant is rare in the general population with a frequency below the threshold expected for the associated phenotype(s). Given the available evidence, this variant is classified as Likely Pathogenic.

Labcorp Genetics (formerly Invitae), Labcorp
Classification: Pathogenic for Primary ciliary dyskinesia. Last evaluated: 2023-12-28. Review status: criteria provided, single submitter. Criteria: Invitae Variant Classification Sherloc (09022015). Collection method: clinical testing. Allele origin: germline.
Comment: This sequence change creates a premature translational stop signal (p.Pro1098Thrfs*11) in the DNAH5 gene. It is expected to result in an absent or disrupted protein product. Loss-of-function variants in DNAH5 are known to be pathogenic (PMID: 11788826, 16627867). This variant is present in population databases (rs762081081, gnomAD 0.002%). This variant has not been reported in the literature in individuals affected with DNAH5-related conditions. ClinVar contains an entry for this variant (Variation ID: 238968). Algorithms developed to predict the effect of sequence changes on RNA splicing suggest that this variant may disrupt the consensus splice site. For these reasons, this variant has been classified as Pathogenic.

Literature cited by the submitters: PubMed 11788826 (cited by Labcorp Genetics (formerly Invitae), Labcorp); PubMed 16627867 (cited by Labcorp Genetics (formerly Invitae), Labcorp).